The following is an entry in ClinVar:

ClinVar aggregate classification (germline): Uncertain significance. Review status: criteria provided, multiple submitters, no conflicts (2 of 4 stars). 2 submissions from 2 submitters: Uncertain significance (2). Last evaluated 2024-06-21.

Allele frequency attached by ClinVar (database versions not stated): gnomAD exomes below 0.00001 and 0.00002; TOPMed 0.00001.

Submissions (2):

Labcorp Genetics (formerly Invitae), Labcorp
Classification: Uncertain significance. Last evaluated: 2024-06-21. Review status: criteria provided, single submitter. Criteria: Invitae Variant Classification Sherloc (09022015). Collection method: clinical testing. Allele origin: germline.
Comment: This sequence change replaces glutamic acid, which is acidic and polar, with lysine, which is basic and polar, at codon 150 of the SMAD2 protein (p.Glu150Lys). This variant is present in population databases (rs200841904, gnomAD 0.0009%). This missense change has been observed in individual(s) with thoracic aortic disease (PMID: 29907982). ClinVar contains an entry for this variant (Variation ID: 1254194). Advanced modeling of protein sequence and biophysical properties (such as structural, functional, and spatial information, amino acid conservation, physicochemical variation, residue mobility, and thermodynamic stability) performed at Invitae indicates that this missense variant is not expected to disrupt SMAD2 protein function with a negative predictive value of 80%. In summary, the available evidence is currently insufficient to determine the role of this variant in disease. Therefore, it has been classified as a Variant of Uncertain Significance.

GeneDx
Classification: Uncertain significance. Last evaluated: 2021-08-19. Review status: criteria provided, single submitter. Criteria: GeneDx Variant Classification Process June 2021. Collection method: clinical testing. Allele origin: germline. Affected: yes.
Comment: Not observed at significant frequency in large population cohorts (Lek et al., 2016); In silico analysis supports that this missense variant has a deleterious effect on protein structure/function; This variant is associated with the following publications: (PMID: 29907982)

Literature cited by the submitters: PubMed 29907982 (cited by Labcorp Genetics (formerly Invitae), Labcorp).

NM_005901.6(SMAD2):c.448G>A (p.Glu150Lys)

Gene: SMAD2 (SMAD family member 2; minus strand). Cytogenetic location: 18q21.1.
Variant type: single nucleotide variant.
Coding change: c.448G>A on transcript NM_005901.6 (MANE Select); coding-DNA position 448, G replaced by A.
Protein change: p.Glu150Lys; replaces glutamic acid 150 with lysine.
Molecular consequence: missense variant.
Genome position (GRCh38, 1-based): chr18:47,869,315, C>T on the plus strand (G>A on the coding strand, the complement: SMAD2 is on the minus strand). VCF-style: chr18-47869315-C-T. GRCh37 (hg19) VCF-style: chr18-45395686-C-T.
Other names: c.448G>A, p.Glu150Lys (NM_001003652.4); c.358G>A, p.Glu120Lys (NM_001135937.3); short protein forms E120K, E150K.
Identifiers: ClinVar variation 1254194 (VCV001254194.5), dbSNP rs200841904, ClinGen allele CA300260114.